The following is an entry in ClinVar:

NM_001378615.1(CC2D2A):c.3924C>A (p.Asn1308Lys)

Genes: CC2D2A (coiled-coil and C2 domain containing 2A; plus strand), FBXL5 (F-box and leucine rich repeat protein 5; minus strand). Cytogenetic location: 4p15.32.
Variant type: single nucleotide variant.
Coding change: c.3924C>A on transcript NM_001378615.1 (MANE Select); coding-DNA position 3924, C replaced by A.
Protein change: p.Asn1308Lys; replaces asparagine 1308 with lysine.
Molecular consequence: missense variant.
Genome position (GRCh38, 1-based): chr4:15,580,120, C>A. VCF-style: chr4-15580120-C-A. GRCh37 (hg19) VCF-style: chr4-15581743-C-A.
Other names: c.3924C>A, p.Asn1308Lys (NM_001080522.2); c.3777C>A, p.Asn1259Lys (NM_001378617.1); short protein forms N1259K, N1308K.
Identifiers: ClinVar variation 2117128 (VCV002117128.5), dbSNP rs762297266, ClinGen allele CA356426478.

ClinVar aggregate classification (germline): Uncertain significance. Review status: criteria provided, multiple submitters, no conflicts (2 of 4 stars). 2 submissions from 2 submitters: Uncertain significance (2). Last evaluated 2025-11-26.

Conditions:
Joubert syndrome. Also called: JOUBERT-BOLTSHAUSER SYNDROME; Familial aplasia of the vermis. Identifiers: Orphanet 475, MedGen C5979921, MONDO:0018772.
Meckel-Gruber syndrome. Also called: DYSENCEPHALIA SPLANCHNOCYSTICA; GRUBER SYNDROME; Dysencephalia splachnocystica. Identifiers: Orphanet 564, MedGen C0265215, MONDO:0018921.
Inborn genetic diseases. Identifiers: MedGen C0950123, MeSH D030342.

gnomAD v4.1: 8 of 1,613,888 alleles (0.0005%); highest among the groups gnomAD compares: East Asian, 0.0022%; no homozygotes.

Submissions (2):

Ambry Genetics
Classification: Uncertain significance for Inborn genetic diseases. Last evaluated: 2025-11-26. Review status: criteria provided, single submitter. Criteria: Ambry Variant Classification Scheme 2023. Collection method: clinical testing. Allele origin: germline.

Labcorp Genetics (formerly Invitae), Labcorp
Classification: Uncertain significance for Joubert syndrome; Meckel-Gruber syndrome. Last evaluated: 2022-11-15. Review status: criteria provided, single submitter. Criteria: Invitae Variant Classification Sherloc (09022015). Collection method: clinical testing. Allele origin: germline.
Comment: In summary, the available evidence is currently insufficient to determine the role of this variant in disease. Therefore, it has been classified as a Variant of Uncertain Significance. Algorithms developed to predict the effect of missense changes on protein structure and function (SIFT, PolyPhen-2, Align-GVGD) all suggest that this variant is likely to be tolerated. This variant has not been reported in the literature in individuals affected with CC2D2A-related conditions. This variant is present in population databases (no rsID available, gnomAD 0.006%). This sequence change replaces asparagine, which is neutral and polar, with lysine, which is basic and polar, at codon 1308 of the CC2D2A protein (p.Asn1308Lys).